The following is an entry in ClinVar:

ClinVar aggregate classification (germline): Likely pathogenic. Review status: criteria provided, single submitter (1 of 4 stars). 2 submissions from 2 submitters: Likely pathogenic (1). 1 of the submissions does not count toward it. Last evaluated 2022-11-07.

Conditions:
Classic homocystinuria. Also called: Homocystinuria due to Cystathionine Beta-Synthase Deficiency; Homocystinuria due to CBS deficiency; Cystathionine beta-synthase deficiency; CBS deficiency; HOMOCYSTINURIA WITH OR WITHOUT RESPONSE TO PYRIDOXINE. Identifiers: Orphanet 394, MedGen C0751202, MONDO:0009352, OMIM 236200.
HYPERHOMOCYSTEINEMIA, THROMBOTIC, CBS-RELATED. Identifiers: MedGen C3150344, OMIM 236200.

Submissions (2):

Labcorp Genetics (formerly Invitae), Labcorp
Classification: Likely pathogenic for HYPERHOMOCYSTEINEMIA, THROMBOTIC, CBS-RELATED. Last evaluated: 2022-11-07. Review status: criteria provided, single submitter. Criteria: Invitae Variant Classification Sherloc (09022015). Collection method: clinical testing. Allele origin: germline.
Comment: In summary, the currently available evidence indicates that the variant is pathogenic, but additional data are needed to prove that conclusively. Therefore, this variant has been classified as Likely Pathogenic. Variants that disrupt the consensus splice site are a relatively common cause of aberrant splicing (PMID: 17576681, 9536098). Algorithms developed to predict the effect of sequence changes on RNA splicing suggest that this variant may disrupt the consensus splice site. ClinVar contains an entry for this variant (Variation ID: 554133). Disruption of this splice site has been observed in individual(s) with clinical features of homocystinuria due to CBS deficiency (Invitae). In at least one individual the data is consistent with being in trans (on the opposite chromosome) from a pathogenic variant. It has also been observed to segregate with disease in related individuals. This variant is not present in population databases (gnomAD no frequency). This sequence change affects an acceptor splice site in intron 16 of the CBS gene. While this variant is not anticipated to result in nonsense mediated decay, it likely alters RNA splicing and results in a disrupted protein product.

Counsyl
Classification: Likely pathogenic for Classic homocystinuria. Last evaluated: 2017-09-27. Review status: no assertion criteria provided. Collection method: clinical testing. Allele origin: unknown. Not counted in ClinVar's aggregate classification.

Literature cited by the submitters: PubMed 17576681 (cited by Labcorp Genetics (formerly Invitae), Labcorp); PubMed 9536098 (cited by Labcorp Genetics (formerly Invitae), Labcorp).

NM_000071.3(CBS):c.1553-1G>C

Gene: CBS (cystathionine beta-synthase; minus strand). Cytogenetic location: 21q22.3.
Variant type: single nucleotide variant.
Coding change: c.1553-1G>C on transcript NM_000071.3 (MANE Select); the canonical splice acceptor site of the intron before coding-DNA position 1553, G replaced by C.
Molecular consequence: splice acceptor variant.
Genome position (GRCh38, 1-based): chr21:43,053,984, C>G on the plus strand (G>C on the coding strand, the complement: CBS is on the minus strand). VCF-style: chr21-43053984-C-G. GRCh37 (hg19) VCF-style: chr21-44474094-C-G.
Other names: c.1553-1G>C (NM_001320298.2, NM_001178009.3, NM_001178008.3); c.1238-1G>C (NM_001321072.1).
Identifiers: ClinVar variation 554133 (VCV000554133.12), dbSNP rs1555869979, ClinGen allele CA410394975.